The following is an entry in ClinVar:

ClinVar aggregate classification (germline): Likely benign (1 of 4 stars; one submission).

Conditions:
LRRC45-related disorder. Also called: LRRC45-related condition.

gnomAD v4.1: 97 of 1,609,164 alleles (0.006%); highest among the groups gnomAD compares: African/African-American, 0.11%; no homozygotes.

Submission:

PreventionGenetics, part of Exact Sciences
Classification: Likely benign for LRRC45-related condition. Last evaluated: 2024-12-06. Review status: criteria provided, single submitter. Criteria: ACMG Guidelines, 2015. Collection method: clinical testing. Allele origin: germline.
Comment: This variant is classified as likely benign based on ACMG/AMP sequence variant interpretation guidelines (Richards et al. 2015 PMID: 25741868, with internal and published modifications).

NM_144999.4(LRRC45):c.414G>C (p.Gly138=)

Gene: LRRC45 (leucine rich repeat containing 45; plus strand). Cytogenetic location: 17q25.3.
Variant type: single nucleotide variant.
Coding change: c.414G>C on transcript NM_144999.4 (MANE Select); coding-DNA position 414, G replaced by C.
Protein change: p.Gly138=; no amino-acid change (glycine 138 retained).
Molecular consequence: synonymous variant.
Genome position (GRCh38, 1-based): chr17:82,025,060, G>C. VCF-style: chr17-82025060-G-C. GRCh37 (hg19) VCF-style: chr17-79982936-G-C.
Identifiers: ClinVar variation 4981531 (VCV004981531.1).